The following is an entry in ClinVar:

NM_000400.4(ERCC2):c.442C>T (p.His148Tyr)

Gene: ERCC2 (ERCC excision repair 2, TFIIH core complex helicase subunit; minus strand). Cytogenetic location: 19q13.32.
Variant type: single nucleotide variant.
Coding change: c.442C>T on transcript NM_000400.4 (MANE Select); coding-DNA position 442, C replaced by T.
Protein change: p.His148Tyr; replaces histidine 148 with tyrosine.
Molecular consequence: missense variant.
Genome position (GRCh38, 1-based): chr19:45,365,077, G>A on the plus strand (C>T on the coding strand, the complement: ERCC2 is on the minus strand). VCF-style: chr19-45365077-G-A. GRCh37 (hg19) VCF-style: chr19-45868335-G-A.
Other names: c.370C>T, p.His124Tyr (NM_001130867.2); short protein forms H124Y, H148Y.
Identifiers: ClinVar variation 1423195 (VCV001423195.8), dbSNP rs201382232, ClinGen allele CA9513788.

ClinVar aggregate classification (germline): Conflicting classifications of pathogenicity. Review status: criteria provided, conflicting classifications (1 of 4 stars). 6 submissions from 6 submitters: Uncertain significance (5); Likely benign (1). Last evaluated 2024-09-20.

Conditions:
Cerebrooculofacioskeletal syndrome 2 (COFS2). Identifiers: MedGen C1853102, MONDO:0012553, OMIM 610756.
Trichothiodystrophy 1, photosensitive (TTD1). Also called: TAY SYNDROME; TRICHOTHIODYSTROPHY WITH CONGENITAL ICHTHYOSIS; PIBIDS SYNDROME. Identifiers: Orphanet 33364, MedGen C1866504, MONDO:0011125, OMIM 601675.
Xeroderma pigmentosum, group D (XPD). Also called: ERCC2-Related Xeroderma Pigmentosum; XERODERMA PIGMENTOSUM IV; XP, GROUP D; XP, GROUP H; XERODERMA PIGMENTOSUM, COMPLEMENTATION GROUP D. Identifiers: MedGen C0268138, MONDO:0010212, OMIM 278730.

Allele frequency attached by ClinVar (database versions not stated): gnomAD 0.00004 and 0.00007; TOPMed 0.00004; gnomAD exomes 0.00006 and 0.00007; ExAC 0.00007.
gnomAD v4.1: 92 of 1,614,162 alleles (0.0057%); highest among the groups gnomAD compares: Middle Eastern, 0.36%; no homozygotes.

Submissions (6):

3billion
Classification: Likely benign for Xeroderma pigmentosum, group D; Trichothiodystrophy 1, photosensitive; Cerebrooculofacioskeletal syndrome 2. Last evaluated: 2024-09-20. Review status: criteria provided, single submitter. Criteria: ACMG Guidelines, 2015. Collection method: clinical testing. Allele origin: germline. Affected: no.
Comment: The homozygous variant was found in patients diagnosed with another variant in a different gene, with no symptoms related to the gene containing the homozygous variant.

Blueprint Genetics
Classification: Uncertain significance. Last evaluated: 2024-03-24. Review status: criteria provided, single submitter. Criteria: ACMG Guidelines, 2015. Collection method: clinical testing. Allele origin: germline.

Fulgent Genetics
Classification: Uncertain significance for Xeroderma pigmentosum, group D; Trichothiodystrophy 1, photosensitive; Cerebrooculofacioskeletal syndrome 2. Last evaluated: 2024-02-09. Review status: criteria provided, single submitter. Criteria: ACMG Guidelines, 2015. Collection method: clinical testing. Allele origin: germline.

Labcorp Genetics (formerly Invitae), Labcorp
Classification: Uncertain significance. Last evaluated: 2022-10-17. Review status: criteria provided, single submitter. Criteria: Invitae Variant Classification Sherloc (09022015). Collection method: clinical testing. Allele origin: germline.
Comment: This sequence change replaces histidine, which is basic and polar, with tyrosine, which is neutral and polar, at codon 148 of the ERCC2 protein (p.His148Tyr). This variant is present in population databases (rs201382232, gnomAD 0.05%). This variant has not been reported in the literature in individuals affected with ERCC2-related conditions. ClinVar contains an entry for this variant (Variation ID: 1423195). Algorithms developed to predict the effect of missense changes on protein structure and function (SIFT, PolyPhen-2, Align-GVGD) all suggest that this variant is likely to be tolerated. Algorithms developed to predict the effect of sequence changes on RNA splicing suggest that this variant may create or strengthen a splice site. In summary, the available evidence is currently insufficient to determine the role of this variant in disease. Therefore, it has been classified as a Variant of Uncertain Significance.

Women's Health and Genetics/Laboratory Corporation of America, LabCorp
Classification: Uncertain significance. Last evaluated: 2022-03-08. Review status: criteria provided, single submitter. Criteria: LabCorp Variant Classification Summary - May 2015. Collection method: clinical testing. Allele origin: germline.
Comment: Variant summary: ERCC2 c.442C>T (p.His148Tyr) results in a conservative amino acid change located in the Helicase-like, DEXD box c2 type of the encoded protein sequence. Four of five in-silico tools predict a benign effect of the variant on protein function. The variant allele was found at a frequency of 6.8e-05 in 250800 control chromosomes. This frequency is not significantly higher than expected for a pathogenic variant in ERCC2 causing Xeroderma Pigmentosum (6.8e-05 vs 0.00061), allowing no conclusion about variant significance. To our knowledge, no occurrence of c.442C>T in individuals affected with Xeroderma Pigmentosum and no experimental evidence demonstrating its impact on protein function have been reported. No clinical diagnostic laboratories have submitted clinical-significance assessments for this variant to ClinVar after 2014. Based on the evidence outlined above, the variant was classified as uncertain significance.

Breakthrough Genomics
Classification: Uncertain significance. Review status: criteria provided, single submitter. Criteria: ACMG Guidelines, 2015. Collection method: not provided. Allele origin: germline. Inheritance: Autosomal dominant inheritance. Affected: yes.